The following is an entry in ClinVar:

ClinVar aggregate classification (germline): Uncertain significance (1 of 4 stars; one submission).

Conditions:
Inborn genetic diseases. Identifiers: MedGen C0950123, MeSH D030342.

Submission:

Ambry Genetics
Classification: Uncertain significance for Inborn genetic diseases. Last evaluated: 2024-12-04. Review status: criteria provided, single submitter. Criteria: Ambry Variant Classification Scheme 2023. Collection method: clinical testing. Allele origin: germline.
Comment: The p.A1434S variant (also known as c.4300G>T), located in coding exon 43 of the FANCA gene, results from a G to T substitution at nucleotide position 4300. The alanine at codon 1434 is replaced by serine, an amino acid with similar properties. This amino acid position is conserved. In addition, this alteration is predicted to be tolerated by in silico analysis. Based on the available evidence, the clinical significance of this variant remains unclear.

NM_000135.4(FANCA):c.4300G>T (p.Ala1434Ser)

Genes: FANCA (FA complementation group A; minus strand), ZNF276 (zinc finger protein 276; plus strand). Cytogenetic location: 16q24.3.
Variant type: single nucleotide variant.
Coding change: c.4300G>T on transcript NM_000135.4 (MANE Select); coding-DNA position 4300, G replaced by T.
Protein change: p.Ala1434Ser; replaces alanine 1434 with serine.
Molecular consequence: missense variant. On other transcripts: 3 prime UTR variant (3), non-coding transcript variant (4).
Genome position (GRCh38, 1-based): chr16:89,738,669, C>A on the plus strand (G>T on the coding strand, the complement: FANCA is on the minus strand). VCF-style: chr16-89738669-C-A. GRCh37 (hg19) VCF-style: chr16-89805077-C-A.
Other names: c.*29G>T (NM_001286167.3); c.*423C>A (NM_001113525.2, NM_152287.4); short protein forms A1434S.
Identifiers: ClinVar variation 3512710 (VCV003512710.1).